The following is an entry in ClinVar:

ClinVar aggregate classification (germline): Uncertain significance (1 of 4 stars; one submission).

Submission:

Labcorp Genetics (formerly Invitae), Labcorp
Classification: Uncertain significance. Last evaluated: 2022-02-11. Review status: criteria provided, single submitter. Criteria: Invitae Variant Classification Sherloc (09022015). Collection method: clinical testing. Allele origin: germline.
Comment: This sequence change replaces isoleucine, which is neutral and non-polar, with valine, which is neutral and non-polar, at codon 1508 of the MPDZ protein (p.Ile1508Val). This variant is not present in population databases (gnomAD no frequency). This variant has not been reported in the literature in individuals affected with MPDZ-related conditions. Algorithms developed to predict the effect of missense changes on protein structure and function output the following: SIFT: "Deleterious"; PolyPhen-2: "Benign"; Align-GVGD: "Class C25". The valine amino acid residue is found in multiple mammalian species, which suggests that this missense change does not adversely affect protein function. In summary, the available evidence is currently insufficient to determine the role of this variant in disease. Therefore, it has been classified as a Variant of Uncertain Significance.

NM_001378778.1(MPDZ):c.4522A>G (p.Ile1508Val)

Gene: MPDZ (multiple PDZ domain crumbs cell polarity complex component; minus strand). Cytogenetic location: 9p23.
Variant type: single nucleotide variant.
Coding change: c.4522A>G on transcript NM_001378778.1 (MANE Select); coding-DNA position 4522, A replaced by G.
Protein change: p.Ile1508Val; replaces isoleucine 1508 with valine.
Molecular consequence: missense variant.
Genome position (GRCh38, 1-based): chr9:13,126,715, T>C on the plus strand (A>G on the coding strand, the complement: MPDZ is on the minus strand). VCF-style: chr9-13126715-T-C. GRCh37 (hg19) VCF-style: chr9-13126714-T-C.
Other names: c.4423A>G, p.Ile1475Val (NM_001261406.2, NM_001261407.2, NM_001375416.1 and 3 more transcripts); c.4522A>G, p.Ile1508Val (NM_001330637.2, NM_003829.5); c.4621A>G, p.Ile1541Val (NM_001375413.1); c.4312A>G, p.Ile1438Val (NM_001375420.1, NM_001375421.1, NM_001375422.1 and 4 more transcripts); c.4114A>G, p.Ile1372Val (NM_001375427.1); short protein forms I1372V, I1508V, I1438V, I1475V, I1541V.
Identifiers: ClinVar variation 2049289 (VCV002049289.4), dbSNP rs2488829962, ClinGen allele CA372947123.